The following is an entry in ClinVar:

ClinVar aggregate classification (germline): Uncertain significance (0 of 4 stars; one submission).

Conditions:
RAB23-related disorder. Also called: RAB23-related condition.

gnomAD v4.1: 6 of 1,613,888 alleles (0.00037%); highest among the groups gnomAD compares: African/African-American, 0.0067%; no homozygotes.

Submission:

PreventionGenetics, part of Exact Sciences
Classification: Uncertain significance for RAB23-related condition. Last evaluated: 2023-12-27. Review status: no assertion criteria provided. Collection method: clinical testing. Allele origin: germline.
Comment: The RAB23 c.587C>A variant is predicted to result in the amino acid substitution p.Thr196Lys. To our knowledge, this variant has not been reported in the literature. This variant is reported in 0.018% of alleles in individuals of African descent in gnomAD. At this time, the clinical significance of this variant is uncertain due to the absence of conclusive functional and genetic evidence.

NM_016277.5(RAB23):c.587C>A (p.Thr196Lys)

Gene: RAB23 (RAB23, member RAS oncogene family; minus strand). Cytogenetic location: 6p12.1.
Variant type: single nucleotide variant.
Coding change: c.587C>A on transcript NM_016277.5 (MANE Select); coding-DNA position 587, C replaced by A.
Protein change: p.Thr196Lys; replaces threonine 196 with lysine.
Molecular consequence: missense variant. On other transcripts: non-coding transcript variant (1).
Genome position (GRCh38, 1-based): chr6:57,190,588, G>T on the plus strand (C>A on the coding strand, the complement: RAB23 is on the minus strand). VCF-style: chr6-57190588-G-T. GRCh37 (hg19) VCF-style: chr6-57055386-G-T.
Other names: c.587C>A, p.Thr196Lys (NM_001278666.2, NM_001278667.2, NM_001278668.2 and 1 more transcripts); short protein forms T196K.
Identifiers: ClinVar variation 3353751 (VCV003353751.1).